The following is an entry in ClinVar:

ClinVar aggregate classification (germline): Conflicting classifications of pathogenicity. Review status: criteria provided, conflicting classifications (1 of 4 stars). 4 submissions from 4 submitters: Uncertain significance (1); Likely benign (3). Last evaluated 2025-02-17.

Conditions:
Familial cancer of breast. Also called: BREAST CANCER, FAMILIAL; Hereditary breast cancer; hereditary breast carcinoma. Identifiers: Orphanet 227535, MedGen C0346153, MONDO:0016419, OMIM 114480. Disease mechanism: loss of function.
Hereditary cancer-predisposing syndrome. Also called: Hereditary neoplastic syndrome; Neoplastic Syndromes, Hereditary; Hereditary Cancer Syndrome; Tumor predisposition. Identifiers: Orphanet 140162, MedGen C0027672, MeSH D009386, MONDO:0015356.

Allele frequency attached by ClinVar (database versions not stated): gnomAD 0.00001; TOPMed 0.00001.
gnomAD v4.1: 2 of 1,613,970 alleles (0.00012%); highest among the groups gnomAD compares: Middle Eastern, 0.016%; no homozygotes.

Submissions (4):

Labcorp Genetics (formerly Invitae), Labcorp
Classification: Likely benign for Familial cancer of breast. Last evaluated: 2025-02-17. Review status: criteria provided, single submitter. Criteria: Invitae Variant Classification Sherloc (09022015). Collection method: clinical testing. Allele origin: germline.

Myriad Genetics, Inc.
Classification: Likely benign for Familial cancer of breast. Last evaluated: 2025-01-17. Review status: criteria provided, single submitter. Criteria: Myriad Autosomal Dominant, Autosomal Recessive and X-Linked Classification Criteria (2023). Collection method: clinical testing. Allele origin: unknown.
Comment: This variant is considered likely benign. This variant is intronic and is not expected to impact mRNA splicing.

Color Diagnostics, LLC DBA Color Health
Classification: Likely benign for Hereditary cancer-predisposing syndrome. Last evaluated: 2023-05-10. Review status: criteria provided, single submitter. Criteria: ACMG Guidelines, 2015. Collection method: clinical testing. Allele origin: germline.

GeneDx
Classification: Uncertain significance. Last evaluated: 2019-11-04. Review status: criteria provided, single submitter. Criteria: GeneDx Variant Classification Process June 2021. Collection method: clinical testing. Allele origin: germline. Affected: yes.
Comment: Not observed in large population cohorts (Lek et al., 2016); Has not been previously published as pathogenic or benign to our knowledge; In-silico analysis, which includes splice predictors and evolutionary conservation, is inconclusive as to whether the variant alters gene splicing. In the absence of RNA/functional studies, the actual effect of this sequence change is unknown.

NM_024675.4(PALB2):c.2587-7G>A

Gene: PALB2 (partner and localizer of BRCA2; minus strand). Cytogenetic location: 16p12.2.
Variant type: single nucleotide variant.
Coding change: c.2587-7G>A on transcript NM_024675.4 (MANE Select); 7 bases into the intron before coding-DNA position 2587, G replaced by A.
Molecular consequence: intron variant.
Genome position (GRCh38, 1-based): chr16:23,626,404, C>T on the plus strand (G>A on the coding strand, the complement: PALB2 is on the minus strand). VCF-style: chr16-23626404-C-T. GRCh37 (hg19) VCF-style: chr16-23637725-C-T.
Identifiers: ClinVar variation 530028 (VCV000530028.15), dbSNP rs932395531, ClinGen allele CA279489186.
Genomic context (GRCh38, chr16:23,626,404, plus strand): 5'-GGCTCTTTCCCAAAACATGGCACTCACATCTACGGAACAGGAACCTGAAGGATTCTGACA[C>T]AATGGCAACAGTTCTGTTAAAGTGGCACTCGAGTGCTGTTTTATGCAAAGCATAAGTATG-3'